The following is an entry in ClinVar:

ClinVar aggregate classification (germline): Likely benign. Review status: criteria provided, multiple submitters, no conflicts (2 of 4 stars). 2 submissions from 2 submitters: Likely benign (2). Last evaluated 2025-12-30.

Conditions:
BAP1-related tumor predisposition syndrome (TPDS1). Also called: Tumor susceptibility linked to germline BAP1 mutations; BAP1 tumor predisposition syndrome; COMMON Syndrome; TUMOR PREDISPOSITION SYNDROME 1. Identifiers: Orphanet 289539, MedGen C3280492, MONDO:0013692, OMIM 614327.

Allele frequency attached by ClinVar (database versions not stated): ExAC 0.00001; gnomAD exomes 0.00001.
gnomAD v4.1: 9 of 1,614,144 alleles (0.00056%); highest among the groups gnomAD compares: Non-Finnish European, 0.00076%; no homozygotes.

Submissions (2):

Labcorp Genetics (formerly Invitae), Labcorp
Classification: Likely benign for BAP1-related tumor predisposition syndrome. Last evaluated: 2025-12-30. Review status: criteria provided, single submitter. Criteria: Invitae Variant Classification Sherloc (09022015). Collection method: clinical testing. Allele origin: germline.

Myriad Genetics, Inc.
Classification: Likely benign for BAP1-related tumor predisposition syndrome. Last evaluated: 2024-07-17. Review status: criteria provided, single submitter. Criteria: Myriad Autosomal Dominant, Autosomal Recessive and X-Linked Classification Criteria (2023). Collection method: clinical testing. Allele origin: unknown.
Comment: This variant is considered likely benign. This variant is intronic and is not expected to impact mRNA splicing.

NM_004656.4(BAP1):c.1984-17C>T

Gene: BAP1 (BRCA1 associated deubiquitinase 1; minus strand). Cytogenetic location: 3p21.1.
Variant type: single nucleotide variant.
Coding change: c.1984-17C>T on transcript NM_004656.4 (MANE Select); 17 bases into the intron before coding-DNA position 1984, C replaced by T.
Molecular consequence: intron variant.
Genome position (GRCh38, 1-based): chr3:52,402,691, G>A on the plus strand (C>T on the coding strand, the complement: BAP1 is on the minus strand). VCF-style: chr3-52402691-G-A. GRCh37 (hg19) VCF-style: chr3-52436707-G-A.
Other names: c.1930-17C>T (NM_001410772.1).
Identifiers: ClinVar variation 2851579 (VCV002851579.4), dbSNP rs752211673, ClinGen allele CA2436629.